The following is an entry in ClinVar:

NM_001170629.2(CHD8):c.6447_6450del (p.Arg2150fs)

Gene: CHD8 (chromodomain helicase DNA binding protein 8; minus strand). Cytogenetic location: 14q11.2.
Variant type: Deletion.
Coding change: c.6447_6450del on transcript NM_001170629.2 (MANE Select); coding-DNA positions 6447 to 6450, 4 bases deleted (AAGA; older notation c.6447_6450delAAGA).
Protein change: p.Arg2150fs; shifts the reading frame from arginine 2150.
Molecular consequence: frameshift variant.
Genome position (GRCh38, 1-based): chr14:21,393,124-21,393,127, TCTT deleted on the plus strand (AAGA on the coding strand, the reverse complement: CHD8 is on the minus strand); deleting any 4 consecutive bases within chr14:21,393,124-21,393,128 gives the same sequence; the c. name uses the placement nearest the transcript's 3' end. VCF-style (leftmost placement, unchanged base first): chr14-21393123-CTCTT-C. GRCh37 (hg19) VCF-style: chr14-21861282-CTCTT-C.
Other names: p.Arg2150Profs*10; c.5610_5613del, p.Arg1871fs (NM_020920.4); short protein forms R1871fs, R2150fs.
Identifiers: ClinVar variation 3376320 (VCV003376320.5).
Genomic context (GRCh38, chr14:21,393,123, plus strand): 5'-TATTTCTGGACTCTACATGTCCAGGGATGAGGCTGTTTGTTACCTTGGGCCACTCAGAGG[CTCTT>C]TGTCTTTCCTGCAGTAGCAGAAGCTCAGGGGTCATTTGTTCTCCATCTTCATTTGGGAAT-3'

ClinVar aggregate classification (germline): Pathogenic/Likely pathogenic. Review status: criteria provided, multiple submitters, no conflicts (2 of 4 stars). 4 submissions from 4 submitters: Pathogenic (2); Likely pathogenic (2). Last evaluated 2025-07-20.

Conditions:
Intellectual developmental disorder with autism and macrocephaly. Also called: Autism, susceptibility to, 18; CHD8-Related Neurodevelopmental Disorder with Overgrowth. Identifiers: Orphanet 642675, MedGen C3554373, MONDO:0014017, OMIM 615032.

Submissions (4):

Department of Molecular Genetics, Istishari Arab Hospital
Classification: Likely pathogenic for Intellectual developmental disorder with autism and macrocephaly. Last evaluated: 2025-07-20. Review status: criteria provided, single submitter. Criteria: ACMG Guidelines, 2015. Collection method: clinical testing. Allele origin: germline. Inheritance: Autosomal dominant inheritance. Affected: yes.
Comment: The CHD8 variant c.6447_6450del, p.Arg2150Profs*10 creates a shift in the reading frame at codon 2150, which results in termination 10 positions downstream. To the best of our knowledge, this variant was not previously reported in literature. It is classified as likely pathogenic according to the recommendations of ACMG/AMP/ClinGen SVI guidelines.

3billion
Classification: Pathogenic for Intellectual developmental disorder with autism and macrocephaly. Last evaluated: 2025-07-07. Review status: criteria provided, single submitter. Criteria: ACMG Guidelines, 2015. Collection method: clinical testing. Allele origin: germline. Affected: yes.
Comment: The variant is not observed in the gnomAD v4.1.0 dataset. Predicted Consequence/Location: Frameshift: predicted to result in a loss or disruption of normal protein function through nonsense-mediated decay (NMD) or protein truncation. Multiple pathogenic variants are reported downstream of the variant. The variant has been reported to be associated with CHD8-related disorder (ClinVar ID: VCV003376320). Therefore, this variant is classified as Pathogenic according to the recommendation of ACMG/AMP guideline.

Victorian Clinical Genetics Services, Murdoch Childrens Research Institute
Classification: Pathogenic for Intellectual developmental disorder with autism and macrocephaly. Last evaluated: 2025-03-04. Review status: criteria provided, single submitter. Criteria: ACMG Guidelines, 2015. Collection method: clinical testing. Allele origin: germline. Affected: yes.
Comment: This variant is classified as Pathogenic. Evidence in support of pathogenic classification: Variant is predicted to cause nonsense-mediated decay (NMD) and loss of protein (premature termination codon is located at least 54 nucleotides upstream of the final exon-exon junction); Variant is absent from gnomAD (v2, v3 and v4); This variant has limited previous evidence of pathogenicity in an unrelated individual(s). This variant has been classified as likely pathogenic by a clinical laboratory in ClinVar; Other NMD-predicted variant(s) comparable to the one identified in this case have very strong previous evidence for pathogenicity (DECIPHER); Additional information: This variant is heterozygous; This gene is associated with autosomal dominant disease; No published segregation evidence has been identified for this variant; No published functional evidence has been identified for this variant; Loss of function is a known mechanism of disease in this gene and is associated with intellectual developmental disorder with autism and macrocephaly (MIM#615032).

Pittsburgh Clinical Genomics Laboratory, University of Pittsburgh Medical Center
Classification: Likely pathogenic for Intellectual developmental disorder with autism and macrocephaly. Last evaluated: 2023-06-02. Review status: criteria provided, single submitter. Criteria: ACMG Guidelines, 2015. Collection method: clinical testing. Allele origin: germline. Inheritance: Autosomal dominant inheritance. Affected: yes.
Comment: This sequence variant is a four-nucleotide deletion (delTCTT) in exon 33 of 37 of the CHD8 gene and results in an early termition codon 10 amino acids downstream of the frameshift introduced at residue 2150. This variant is predicted to generate a non-functiol allele through either the expression of a truncated protein or a loss of CHD8 expression due to nonsense mediated decay. This variant is absent from ClinVar and has not been observed in the published literature in individuals with CHD8-related disorders, to our knowledge. This variant is absent from the gnomAD population database (0/~250,000 alleles). Haploinsufficiency in CHD8 is a known mechanism of disease. Based upon the evidence, we consider this variant to be likely pathogenic. ACMG Criteria: PM2, PVS1